The following is an entry in ClinVar:

ClinVar aggregate classification (germline): Uncertain significance (1 of 4 stars; one submission).

gnomAD v4.1: 1 of 1,614,040 alleles (0.000062%); highest among the groups gnomAD compares: Non-Finnish European, 0.000085%; no homozygotes.

Submission:

GeneDx
Classification: Uncertain significance. Last evaluated: 2025-01-14. Review status: criteria provided, single submitter. Criteria: GeneDx Variant Classification Process June 2021. Collection method: clinical testing. Allele origin: germline. Affected: yes.
Comment: Not observed at significant frequency in large population cohorts (gnomAD); In silico analysis indicates that this missense variant does not alter protein structure/function; Has not been previously published as pathogenic or benign to our knowledge

NM_020706.2(SCAF4):c.1573G>A (p.Ala525Thr)

Gene: SCAF4 (SR-related CTD associated factor 4; minus strand). Cytogenetic location: 21q22.11.
Variant type: single nucleotide variant.
Coding change: c.1573G>A on transcript NM_020706.2 (MANE Select); coding-DNA position 1573, G replaced by A.
Protein change: p.Ala525Thr; replaces alanine 525 with threonine.
Molecular consequence: missense variant.
Genome position (GRCh38, 1-based): chr21:31,692,390, C>T on the plus strand (G>A on the coding strand, the complement: SCAF4 is on the minus strand). VCF-style: chr21-31692390-C-T. GRCh37 (hg19) VCF-style: chr21-33064703-C-T.
Other names: c.1528G>A, p.Ala510Thr (NM_001145444.1); c.1573G>A, p.Ala525Thr (NM_001145445.1); short protein forms A510T, A525T.
Identifiers: ClinVar variation 4071633 (VCV004071633.1).